The following is an entry in ClinVar:

ClinVar aggregate classification (germline): Uncertain significance (1 of 4 stars; one submission).

Allele frequency attached by ClinVar (database versions not stated): gnomAD exomes below 0.00001.
gnomAD v4.1: 1 of 1,614,034 alleles (0.000062%); highest among the groups gnomAD compares: Non-Finnish European, 0.000085%; no homozygotes.

Submission:

Labcorp Genetics (formerly Invitae), Labcorp
Classification: Uncertain significance. Last evaluated: 2022-06-20. Review status: criteria provided, single submitter. Criteria: Invitae Variant Classification Sherloc (09022015). Collection method: clinical testing. Allele origin: germline.
Comment: This sequence change replaces lysine, which is basic and polar, with arginine, which is basic and polar, at codon 1002 of the DUOX2 protein (p.Lys1002Arg). This variant is not present in population databases (gnomAD no frequency). This variant has not been reported in the literature in individuals affected with DUOX2-related conditions. Algorithms developed to predict the effect of missense changes on protein structure and function (SIFT, PolyPhen-2, Align-GVGD) all suggest that this variant is likely to be tolerated. Algorithms developed to predict the effect of sequence changes on RNA splicing suggest that this variant may create or strengthen a splice site. In summary, the available evidence is currently insufficient to determine the role of this variant in disease. Therefore, it has been classified as a Variant of Uncertain Significance.

NM_001363711.2(DUOX2):c.3005A>G (p.Lys1002Arg)

Gene: DUOX2 (dual oxidase 2; minus strand). Cytogenetic location: 15q21.1.
Variant type: single nucleotide variant.
Coding change: c.3005A>G on transcript NM_001363711.2 (MANE Select); coding-DNA position 3005, A replaced by G.
Protein change: p.Lys1002Arg; replaces lysine 1002 with arginine.
Molecular consequence: missense variant.
Genome position (GRCh38, 1-based): chr15:45,100,755, T>C on the plus strand (A>G on the coding strand, the complement: DUOX2 is on the minus strand). VCF-style: chr15-45100755-T-C. GRCh37 (hg19) VCF-style: chr15-45392953-T-C.
Other names: c.3005A>G, p.Lys1002Arg (NM_014080.5); short protein forms K1002R.
Identifiers: ClinVar variation 1361533 (VCV001361533.5), dbSNP rs2141145336, ClinGen allele CA392264320.